The following is an entry in ClinVar:

NM_015046.7(SETX):c.7850C>A (p.Thr2617Lys)

Gene: SETX (senataxin; minus strand). Cytogenetic location: 9q34.13.
Variant type: single nucleotide variant.
Coding change: c.7850C>A on transcript NM_015046.7 (MANE Select); coding-DNA position 7850, C replaced by A.
Protein change: p.Thr2617Lys; replaces threonine 2617 with lysine.
Molecular consequence: missense variant.
Genome position (GRCh38, 1-based): chr9:132,264,423, G>T on the plus strand (C>A on the coding strand, the complement: SETX is on the minus strand). VCF-style: chr9-132264423-G-T. GRCh37 (hg19) VCF-style: chr9-135139810-G-T.
Other names: c.7850C>A, p.Thr2617Lys (NM_001351527.2); c.7937C>A, p.Thr2646Lys (NM_001351528.2); short protein forms T2617K, T2646K.
Identifiers: ClinVar variation 3354420 (VCV003354420.1).

ClinVar aggregate classification (germline): Uncertain significance (0 of 4 stars; one submission).

Conditions:
SETX-related disorder. Also called: SETX-related condition; SETX-related disorders. Identifiers: MedGen CN239403.

gnomAD v4.1: 3 of 1,613,970 alleles (0.00019%); highest among the groups gnomAD compares: Non-Finnish European, 0.00025%; no homozygotes.

Submission:

PreventionGenetics, part of Exact Sciences
Classification: Uncertain significance for SETX-related condition. Last evaluated: 2023-11-01. Review status: no assertion criteria provided. Collection method: clinical testing. Allele origin: germline.
Comment: The SETX c.7850C>A variant is predicted to result in the amino acid substitution p.Thr2617Lys. To our knowledge, this variant has not been reported in the literature. This variant is reported in 0.0065% of alleles in individuals of European (Non-Finnish) descent in gnomAD. At this time, the clinical significance of this variant is uncertain due to the absence of conclusive functional and genetic evidence.